The following is an entry in ClinVar:

ClinVar aggregate classification (germline): Uncertain significance (1 of 4 stars; one submission).

Submission:

GeneDx
Classification: Uncertain significance. Last evaluated: 2025-01-04. Review status: criteria provided, single submitter. Criteria: GeneDx Variant Classification Process June 2021. Collection method: clinical testing. Allele origin: germline. Affected: yes.
Comment: Not observed at significant frequency in large population cohorts (gnomAD); In silico analysis supports that this missense variant has a deleterious effect on protein structure/function; Has not been previously published as pathogenic or benign to our knowledge

NM_001354604.2(MITF):c.1094A>G (p.Gln365Arg)

Gene: MITF (melanocyte inducing transcription factor; plus strand). Cytogenetic location: 3p13.
Variant type: single nucleotide variant.
Coding change: c.1094A>G on transcript NM_001354604.2 (MANE Select); coding-DNA position 1094, A replaced by G.
Protein change: p.Gln365Arg; replaces glutamine 365 with arginine.
Molecular consequence: missense variant.
Genome position (GRCh38, 1-based): chr3:69,959,335, A>G. VCF-style: chr3-69959335-A-G. GRCh37 (hg19) VCF-style: chr3-70008486-A-G.
Other names: c.773A>G, p.Gln258Arg (NM_000248.4); c.920A>G, p.Gln307Arg (NM_001184967.2, NM_001354608.2); c.1091A>G, p.Gln364Arg (NM_001354605.2); c.1073A>G, p.Gln358Arg (NM_001354606.2, NM_006722.3); c.1025A>G, p.Gln342Arg (NM_001354607.2); c.755A>G, p.Gln252Arg (NM_198158.3); c.1076A>G, p.Gln359Arg (NM_198159.3); c.1028A>G, p.Gln343Arg (NM_198177.3); and 1 more; short protein forms Q307R, Q358R, Q359R, Q365R, Q342R, Q252R, Q364R, Q196R.
Identifiers: ClinVar variation 4055911 (VCV004055911.1).